The following is an entry in ClinVar:

ClinVar aggregate classification (germline): Uncertain significance (1 of 4 stars; one submission).

Submission:

GeneDx
Classification: Uncertain significance. Last evaluated: 2022-08-10. Review status: criteria provided, single submitter. Criteria: GeneDx Variant Classification Process June 2021. Collection method: clinical testing. Allele origin: germline. Affected: yes.
Comment: Not observed at significant frequency in large population cohorts (gnomAD); In silico analysis supports that this variant does not alter splicing; Nucleotide substitution has no predicted effect on splicing and is not conserved across species; Has not been previously published as pathogenic or benign to our knowledge

NM_001372044.2(SHANK3):c.1413C>T (p.Leu471=)

Gene: SHANK3 (SH3 and multiple ankyrin repeat domains 3; plus strand). Cytogenetic location: 22q13.33.
Variant type: single nucleotide variant.
Coding change: c.1413C>T on transcript NM_001372044.2 (MANE Select); coding-DNA position 1413, C replaced by T.
Protein change: p.Leu471=; no amino-acid change (leucine 471 retained).
Molecular consequence: synonymous variant.
Genome position (GRCh38, 1-based): chr22:50,694,932, C>T. VCF-style: chr22-50694932-C-T. GRCh37 (hg19) VCF-style: chr22-51133360-C-T.
Other names: c.1188C>T, p.Leu396= (NM_033517.1).
Identifiers: ClinVar variation 2429648 (VCV002429648.1), dbSNP rs2518393499, ClinGen allele CA515252743.